The following is an entry in ClinVar:

NM_002225.5(IVD):c.320A>G (p.Glu107Gly)

Gene: IVD (isovaleryl-CoA dehydrogenase; plus strand). Cytogenetic location: 15q15.1.
Variant type: single nucleotide variant.
Coding change: c.320A>G on transcript NM_002225.5 (MANE Select); coding-DNA position 320, A replaced by G.
Protein change: p.Glu107Gly; replaces glutamic acid 107 with glycine.
Molecular consequence: missense variant. On other transcripts: non-coding transcript variant (1).
Genome position (GRCh38, 1-based): chr15:40,410,661, A>G. VCF-style: chr15-40410661-A-G. GRCh37 (hg19) VCF-style: chr15-40702860-A-G.
Other names: c.230A>G, p.Glu77Gly (NM_001159508.3); c.272A>G, p.Glu91Gly (NM_001354597.3); c.320A>G, p.Glu107Gly (NM_001354598.3, NM_001354601.3); c.407A>G, p.Glu136Gly (NM_001354599.3, NM_001354600.3); short protein forms E91G, E107G, E136G, E77G.
Identifiers: ClinVar variation 1422166 (VCV001422166.8), dbSNP rs2141323321, ClinGen allele CA391716265.

ClinVar aggregate classification (germline): Uncertain significance (1 of 4 stars; one submission).

Conditions:
Isovaleryl-CoA dehydrogenase deficiency (IVA). Also called: Isovaleric acidemia; Classic Isovaleric Acidemia; ISOVALERIC ACID CoA DEHYDROGENASE DEFICIENCY; IVD DEFICIENCY. Identifiers: Orphanet 33, MedGen C0268575, MONDO:0009475, OMIM 243500.

Submission:

Labcorp Genetics (formerly Invitae), Labcorp
Classification: Uncertain significance for Isovaleryl-CoA dehydrogenase deficiency. Last evaluated: 2021-12-02. Review status: criteria provided, single submitter. Criteria: Invitae Variant Classification Sherloc (09022015). Collection method: clinical testing. Allele origin: germline.
Comment: In summary, the available evidence is currently insufficient to determine the role of this variant in disease. Therefore, it has been classified as a Variant of Uncertain Significance. Algorithms developed to predict the effect of missense changes on protein structure and function are either unavailable or do not agree on the potential impact of this missense change (SIFT: "Deleterious"; PolyPhen-2: "Possibly Damaging"; Align-GVGD: "Class C0"). This variant has not been reported in the literature in individuals affected with IVD-related conditions. This variant is not present in population databases (gnomAD no frequency). This sequence change replaces glutamic acid, which is acidic and polar, with glycine, which is neutral and non-polar, at codon 110 of the IVD protein (p.Glu110Gly).